The following is an entry in ClinVar:

NM_000516.7(GNAS):c.731T>A (p.Ile244Asn)

Gene: GNAS (GNAS complex locus; plus strand). Cytogenetic location: 20q13.32.
Variant type: single nucleotide variant.
Coding change: c.731T>A on transcript NM_000516.7 (MANE Select); coding-DNA position 731, T replaced by A.
Protein change: p.Ile244Asn; replaces isoleucine 244 with asparagine.
Molecular consequence: missense variant. On other transcripts: 3 prime UTR variant (2).
Genome position (GRCh38, 1-based): chr20:58,909,696, T>A. VCF-style: chr20-58909696-T-A. GRCh37 (hg19) VCF-style: chr20-57484751-T-A.
Other names: c.734T>A, p.Ile245Asn (NM_001077488.5); c.686T>A, p.Ile229Asn (NM_001077489.4); c.*592T>A (NM_001077490.3); c.554T>A, p.Ile185Asn (NM_001309840.2, NM_001309861.2); c.635T>A, p.Ile212Asn (NM_001410912.1); c.2615T>A, p.Ile872Asn (NM_001410913.1); c.*637T>A (NM_016592.5); c.2660T>A, p.Ile887Asn (NM_080425.4); and 1 more; short protein forms I185N, I230N, I244N, I872N, I229N, I212N, I887N, I245N.
Identifiers: ClinVar variation 2759027 (VCV002759027.3), dbSNP rs2517259078, ClinGen allele CA409452428.

ClinVar aggregate classification (germline): Uncertain significance (1 of 4 stars; one submission).

Submission:

Labcorp Genetics (formerly Invitae), Labcorp
Classification: Uncertain significance. Last evaluated: 2025-12-10. Review status: criteria provided, single submitter. Criteria: Invitae Variant Classification Sherloc (09022015). Collection method: clinical testing. Allele origin: germline.
Comment: This sequence change replaces isoleucine, which is neutral and non-polar, with asparagine, which is neutral and polar, at codon 244 of the GNAS protein (p.Ile244Asn). This variant is not present in population databases (gnomAD no frequency). This variant has not been reported in the literature in individuals affected with GNAS-related conditions. ClinVar contains an entry for this variant (Variation ID: 2759027). Invitae Evidence Modeling of protein sequence and biophysical properties (such as structural, functional, and spatial information, amino acid conservation, physicochemical variation, residue mobility, and thermodynamic stability) indicates that this missense variant is expected to disrupt GNAS protein function with a positive predictive value of 80%. In summary, the available evidence is currently insufficient to determine the role of this variant in disease. Therefore, it has been classified as a Variant of Uncertain Significance.